The following is an entry in ClinVar:

ClinVar aggregate classification (germline): Uncertain significance (1 of 4 stars; one submission).

Conditions:
Cardiac arrhythmia. Also called: Arrhythmia; Cardiac rhythm disease. Identifiers: MedGen C0003811, MONDO:0007263, HP:0011675.

Submission:

Color Diagnostics, LLC DBA Color Health
Classification: Uncertain significance for Cardiac arrhythmia. Last evaluated: 2023-03-18. Review status: criteria provided, single submitter. Criteria: ACMG Guidelines, 2015. Collection method: clinical testing. Allele origin: germline.
Comment: This missense variant replaces serine with alanine at codon 992 of the KCNH2 protein. Computational prediction is inconclusive regarding the impact of this variant on protein structure and function (internally defined REVEL score threshold 0.5 < inconclusive < 0.7, PMID: 27666373). To our knowledge, functional studies have not been reported for this variant. This variant has not been reported in individuals affected with KCNH2-related disorders in the literature. This variant has not been identified in the general population by the Genome Aggregation Database (gnomAD). The available evidence is insufficient to determine the role of this variant in disease conclusively. Therefore, this variant is classified as a Variant of Uncertain Significance.

NM_000238.4(KCNH2):c.2974T>G (p.Ser992Ala)

Gene: KCNH2 (potassium voltage-gated channel subfamily H member 2; minus strand). Cytogenetic location: 7q36.1.
Variant type: single nucleotide variant.
Coding change: c.2974T>G on transcript NM_000238.4 (MANE Select); coding-DNA position 2974, T replaced by G.
Protein change: p.Ser992Ala; replaces serine 992 with alanine.
Molecular consequence: missense variant. On other transcripts: non-coding transcript variant (2).
Genome position (GRCh38, 1-based): chr7:150,947,506, A>C on the plus strand (T>G on the coding strand, the complement: KCNH2 is on the minus strand). VCF-style: chr7-150947506-A-C. GRCh37 (hg19) VCF-style: chr7-150644594-A-C.
Other names: c.2686T>G, p.Ser896Ala (NM_001406753.1); c.1954T>G, p.Ser652Ala (NM_172057.3); short protein forms S896A, S992A, S652A.
Identifiers: ClinVar variation 2773420 (VCV002773420.2), dbSNP rs2486005331, ClinGen allele CA369853005.